The following is an entry in ClinVar:

ClinVar aggregate classification (germline): Uncertain significance (1 of 4 stars; one submission).

Conditions:
Hereditary cancer-predisposing syndrome. Also called: Hereditary Cancer Syndrome; Hereditary neoplastic syndrome; Neoplastic Syndromes, Hereditary; Tumor predisposition. Identifiers: Orphanet 140162, MedGen C0027672, MeSH D009386, MONDO:0015356.

Submission:

Ambry Genetics
Classification: Uncertain significance for Hereditary cancer-predisposing syndrome. Last evaluated: 2022-04-29. Review status: criteria provided, single submitter. Criteria: Ambry Variant Classification Scheme 2023. Collection method: clinical testing. Allele origin: germline.
Comment: The p.D429H variant (also known as c.1285G>C), located in coding exon 14 of the CDC73 gene, results from a G to C substitution at nucleotide position 1285. The aspartic acid at codon 429 is replaced by histidine, an amino acid with similar properties. This amino acid position is conserved. In addition, this alteration is predicted to be deleterious by in silico analysis. Since supporting evidence is limited at this time, the clinical significance of this alteration remains unclear.

NM_024529.5(CDC73):c.1285G>C (p.Asp429His)

Gene: CDC73 (cell division cycle 73; plus strand). Cytogenetic location: 1q31.2.
Variant type: single nucleotide variant.
Coding change: c.1285G>C on transcript NM_024529.5 (MANE Select); coding-DNA position 1285, G replaced by C.
Protein change: p.Asp429His; replaces aspartic acid 429 with histidine.
Molecular consequence: missense variant.
Genome position (GRCh38, 1-based): chr1:193,233,123, G>C. VCF-style: chr1-193233123-G-C. GRCh37 (hg19) VCF-style: chr1-193202253-G-C.
Other names: short protein forms D429H.
Identifiers: ClinVar variation 1768955 (VCV001768955.2), dbSNP rs2527494151, ClinGen allele CA344078004.